The following is an entry in ClinVar:

ClinVar aggregate classification (germline): Likely benign. Review status: criteria provided, multiple submitters, no conflicts (2 of 4 stars). 3 submissions from 3 submitters: Likely benign (3). Last evaluated 2026-01-01.

Allele frequency attached by ClinVar (database versions not stated): 1000 Genomes Project 30x 0.00031; 1000 Genomes Project 0.00040; ESP Exome Variant Server 0.00049; TOPMed 0.00064; gnomAD 0.00070 and 0.00071.
gnomAD v4.1: 1,374 of 1,614,170 alleles (0.085%); highest among the groups gnomAD compares: Non-Finnish European, 0.1%; 2 homozygotes.

Submissions (3):

CeGaT Center for Human Genetics Tuebingen
Classification: Likely benign. Last evaluated: 2026-01-01. Review status: criteria provided, single submitter. Criteria: CeGaT Center For Human Genetics Tuebingen Variant Classification Criteria Version 2. Collection method: clinical testing. Allele origin: germline. Affected: yes. Observed: 4 variant alleles.
Comment: DPH1: BP4, BP7

Blueprint Genetics
Classification: Likely benign. Last evaluated: 2024-10-11. Review status: criteria provided, single submitter. Criteria: ACMG Guidelines, 2015. Collection method: clinical testing. Allele origin: germline.

Labcorp Genetics (formerly Invitae), Labcorp
Classification: Likely benign. Last evaluated: 2019-12-31. Review status: criteria provided, single submitter. Criteria: Invitae Variant Classification Sherloc (09022015). Collection method: clinical testing. Allele origin: germline.

NM_001383.6(DPH1):c.726C>T (p.Ala242=)

Gene: DPH1 (diphthamide biosynthesis 1; plus strand). Cytogenetic location: 17p13.3.
Variant type: single nucleotide variant.
Coding change: c.726C>T on transcript NM_001383.6 (MANE Select); coding-DNA position 726, C replaced by T.
Protein change: p.Ala242=; no amino-acid change (alanine 242 retained).
Molecular consequence: synonymous variant. On other transcripts: non-coding transcript variant (3).
Genome position (GRCh38, 1-based): chr17:2,039,800, C>T. VCF-style: chr17-2039800-C-T. GRCh37 (hg19) VCF-style: chr17-1943094-C-T.
Other names: c.741C>T, p.Ala247= (NM_001346574.1); c.708C>T, p.Ala236= (NM_001346575.1); c.321C>T, p.Ala107= (NM_001346576.2).
Identifiers: ClinVar variation 788744 (VCV000788744.29), dbSNP rs368555983, ClinGen allele CA8277101.